The following is an entry in ClinVar:

NM_001297.5(CNGB1):c.345G>A (p.Pro115=)

Gene: CNGB1 (cyclic nucleotide gated channel subunit beta 1; minus strand). Cytogenetic location: 16q21.
Variant type: single nucleotide variant.
Coding change: c.345G>A on transcript NM_001297.5 (MANE Select); coding-DNA position 345, G replaced by A.
Protein change: p.Pro115=; no amino-acid change (proline 115 retained).
Molecular consequence: synonymous variant.
Genome position (GRCh38, 1-based): chr16:57,963,010, C>T on the plus strand (G>A on the coding strand, the complement: CNGB1 is on the minus strand). VCF-style: chr16-57963010-C-T. GRCh37 (hg19) VCF-style: chr16-57996914-C-T.
Other names: c.345G>A, p.Pro115= (NM_001135639.2, NM_001286130.2); c.345G>A (NM_001297.4).
Identifiers: ClinVar variation 2994794 (VCV002994794.4), dbSNP rs563415835, ClinGen allele CA8083886.

ClinVar aggregate classification (germline): Likely benign. Review status: criteria provided, multiple submitters, no conflicts (2 of 4 stars). 2 submissions from 2 submitters: Likely benign (2). Last evaluated 2024-12-12.

Conditions:
CNGB1-related disorder. Also called: CNGB1-related condition.

Allele frequency attached by ClinVar (database versions not stated): ExAC 0.00001; TOPMed 0.00002; gnomAD 0.00003; 1000 Genomes Project 30x 0.00016; 1000 Genomes Project 0.00020.
gnomAD v4.1: 15 of 1,613,400 alleles (0.00093%); highest among the groups gnomAD compares: African/African-American, 0.0053%; no homozygotes.

Submissions (2):

PreventionGenetics, part of Exact Sciences
Classification: Likely benign for CNGB1-related condition. Last evaluated: 2024-12-12. Review status: criteria provided, single submitter. Criteria: ACMG Guidelines, 2015. Collection method: clinical testing. Allele origin: germline.
Comment: This variant is classified as likely benign based on ACMG/AMP sequence variant interpretation guidelines (Richards et al. 2015 PMID: 25741868, with internal and published modifications).

Labcorp Genetics (formerly Invitae), Labcorp
Classification: Likely benign. Last evaluated: 2024-11-05. Review status: criteria provided, single submitter. Criteria: Invitae Variant Classification Sherloc (09022015). Collection method: clinical testing. Allele origin: germline.